The following is an entry in ClinVar:

ClinVar aggregate classification (germline): Uncertain significance (1 of 4 stars; one submission).

gnomAD v4.1: 1 of 1,613,922 alleles (0.000062%); highest among the groups gnomAD compares: Non-Finnish European, 0.000085%; no homozygotes.

Submission:

Labcorp Genetics (formerly Invitae), Labcorp
Classification: Uncertain significance. Last evaluated: 2025-06-16. Review status: criteria provided, single submitter. Criteria: Invitae Variant Classification Sherloc (09022015). Collection method: clinical testing. Allele origin: germline.
Comment: This sequence change replaces leucine, which is neutral and non-polar, with phenylalanine, which is neutral and non-polar, at codon 822 of the COL7A1 protein (p.Leu822Phe). This variant is not present in population databases (gnomAD no frequency). This variant has not been reported in the literature in individuals affected with COL7A1-related conditions. Invitae Evidence Modeling of protein sequence and biophysical properties (such as structural, functional, and spatial information, amino acid conservation, physicochemical variation, residue mobility, and thermodynamic stability) indicates that this missense variant is not expected to disrupt COL7A1 protein function with a negative predictive value of 95%. In summary, the available evidence is currently insufficient to determine the role of this variant in disease. Therefore, it has been classified as a Variant of Uncertain Significance.

NM_000094.4(COL7A1):c.2464C>T (p.Leu822Phe)

Gene: COL7A1 (collagen type VII alpha 1 chain; minus strand). Cytogenetic location: 3p21.31.
Variant type: single nucleotide variant.
Coding change: c.2464C>T on transcript NM_000094.4 (MANE Select); coding-DNA position 2464, C replaced by T.
Protein change: p.Leu822Phe; replaces leucine 822 with phenylalanine.
Molecular consequence: missense variant.
Genome position (GRCh38, 1-based): chr3:48,588,765, G>A on the plus strand (C>T on the coding strand, the complement: COL7A1 is on the minus strand). VCF-style: chr3-48588765-G-A. GRCh37 (hg19) VCF-style: chr3-48626198-G-A.
Other names: short protein forms L822F.
Identifiers: ClinVar variation 4801670 (VCV004801670.1).